The following is an entry in ClinVar:

NM_005045.4(RELN):c.2734A>G (p.Met912Val)

Gene: RELN (reelin; minus strand). Cytogenetic location: 7q22.1.
Variant type: single nucleotide variant.
Coding change: c.2734A>G on transcript NM_005045.4 (MANE Select); coding-DNA position 2734, A replaced by G.
Protein change: p.Met912Val; replaces methionine 912 with valine.
Molecular consequence: missense variant.
Genome position (GRCh38, 1-based): chr7:103,611,772, T>C on the plus strand (A>G on the coding strand, the complement: RELN is on the minus strand). VCF-style: chr7-103611772-T-C. GRCh37 (hg19) VCF-style: chr7-103252219-T-C.
Other names: c.2734A>G, p.Met912Val (NM_173054.3); c.2734A>G (NM_005045.3); short protein forms M912V.
Identifiers: ClinVar variation 2179158 (VCV002179158.6), dbSNP rs1485021475, ClinGen allele CA368754779.

ClinVar aggregate classification (germline): Uncertain significance. Review status: criteria provided, multiple submitters, no conflicts (2 of 4 stars). 3 submissions from 3 submitters: Uncertain significance (3). Last evaluated 2025-04-21.

Conditions:
Inborn genetic diseases. Identifiers: MedGen C0950123, MeSH D030342.
Familial temporal lobe epilepsy 7. Identifiers: Orphanet 101046, MedGen C4225327, MONDO:0014639, OMIM 616436.
Norman-Roberts syndrome (LIS2). Also called: Lissencephaly 2 (Norman-Roberts type). Identifiers: Orphanet 89844, MedGen C0796089, MONDO:0009760, OMIM 257320.

Allele frequency attached by ClinVar (database versions not stated): gnomAD exomes below 0.00001; gnomAD 0.00003; TOPMed 0.00003.
gnomAD v4.1: 7 of 1,613,826 alleles (0.00043%); highest among the groups gnomAD compares: Admixed American, 0.0067%; 1 homozygote.

Submissions (3):

Labcorp Genetics (formerly Invitae), Labcorp
Classification: Uncertain significance for Familial temporal lobe epilepsy 7; Norman-Roberts syndrome. Last evaluated: 2025-04-21. Review status: criteria provided, single submitter. Criteria: Invitae Variant Classification Sherloc (09022015). Collection method: clinical testing. Allele origin: germline.
Comment: This sequence change replaces methionine, which is neutral and non-polar, with valine, which is neutral and non-polar, at codon 912 of the RELN protein (p.Met912Val). This variant is present in population databases (no rsID available, gnomAD no frequency). This variant has not been reported in the literature in individuals affected with RELN-related conditions. ClinVar contains an entry for this variant (Variation ID: 2179158). Invitae Evidence Modeling of protein sequence and biophysical properties (such as structural, functional, and spatial information, amino acid conservation, physicochemical variation, residue mobility, and thermodynamic stability) indicates that this missense variant is not expected to disrupt RELN protein function with a negative predictive value of 80%. In summary, the available evidence is currently insufficient to determine the role of this variant in disease. Therefore, it has been classified as a Variant of Uncertain Significance.

Women's Health and Genetics/Laboratory Corporation of America, LabCorp
Classification: Uncertain significance. Last evaluated: 2024-07-12. Review status: criteria provided, single submitter. Criteria: LabCorp Variant Classification Summary - May 2015. Collection method: clinical testing. Allele origin: germline.
Comment: Variant summary: RELN c.2734A>G (p.Met912Val) results in a conservative amino acid change in the encoded protein sequence. Four of five in-silico tools predict a benign effect of the variant on protein function. The variant was absent in 250948 control chromosomes. The available data on variant occurrences in the general population are insufficient to allow any conclusion about variant significance. To our knowledge, no occurrence of c.2734A>G in individuals affected with Epilepsy Familial Temporal Lobe 7 and no experimental evidence demonstrating its impact on protein function have been reported. ClinVar contains an entry for this variant (Variation ID: 2179158). Based on the evidence outlined above, the variant was classified as uncertain significance.

Ambry Genetics
Classification: Uncertain significance for Inborn genetic diseases. Last evaluated: 2020-11-06. Review status: criteria provided, single submitter. Criteria: Ambry Variant Classification Scheme 2023. Collection method: clinical testing. Allele origin: germline.
Comment: The c.2734A>G (p.M912V) alteration is located in exon 21 (coding exon 21) of the RELN gene. This alteration results from a A to G substitution at nucleotide position 2734, causing the methionine (M) at amino acid position 912 to be replaced by a valine (V). Based on data from the Genome Aggregation Database (gnomAD) database, the RELN c.2734A>G alteration was observed in 0.0032% (1/31404) of total alleles studied. This amino acid position is not well conserved in available vertebrate species. The p.M912V alteration is predicted to be tolerated by in silico analysis. Based on insufficient or conflicting evidence, the clinical significance of this alteration remains unclear.